The following is an entry in ClinVar:

ClinVar aggregate classification (germline): Pathogenic (1 of 4 stars; one submission).

Conditions:
Juvenile polyposis syndrome (JPS). Identifiers: Orphanet 2929, MedGen C0345893, MONDO:0017380, OMIM 174900.

Submission:

Labcorp Genetics (formerly Invitae), Labcorp
Classification: Pathogenic for Juvenile polyposis syndrome. Last evaluated: 2023-08-31. Review status: criteria provided, single submitter. Criteria: Invitae Variant Classification Sherloc (09022015). Collection method: clinical testing. Allele origin: germline.
Comment: For these reasons, this variant has been classified as Pathogenic. This variant has not been reported in the literature in individuals affected with SMAD4-related conditions. This variant is not present in population databases (gnomAD no frequency). This sequence change creates a premature translational stop signal (p.Tyr95Cysfs*8) in the SMAD4 gene. It is expected to result in an absent or disrupted protein product. Loss-of-function variants in SMAD4 are known to be pathogenic (PMID: 16152648, 16436638, 22810475).

Literature cited by the submitters: PubMed 16152648; PubMed 16436638; PubMed 22810475.

NM_005359.6(SMAD4):c.282_283del (p.Tyr95fs)

Gene: SMAD4 (SMAD family member 4; plus strand). Cytogenetic location: 18q21.2.
Variant type: Deletion.
Coding change: c.282_283del on transcript NM_005359.6 (MANE Select); coding-DNA positions 282 to 283, 2 bases deleted (CT; older notation c.282_283delCT).
Protein change: p.Tyr95fs; shifts the reading frame from tyrosine 95.
Molecular consequence: frameshift variant. On other transcripts: non-coding transcript variant (2).
Genome position (GRCh38, 1-based): chr18:51,048,718-51,048,719, CT deleted; deleting any 2 consecutive bases within chr18:51,048,717-51,048,719 gives the same sequence; the c. name uses the placement nearest the transcript's 3' end. VCF-style (leftmost placement, unchanged base first): chr18-51048716-ATC-A. GRCh37 (hg19) VCF-style: chr18-48575086-ATC-A.
Other names: c.282_283del, p.Tyr95fs (NM_001407041.1, NM_001407042.1, NM_001407043.1); short protein forms Y95fs.
Identifiers: ClinVar variation 2756904 (VCV002756904.3), dbSNP rs2511369340, ClinGen allele CA2697555503.
Genomic context (GRCh38, chr18:51,048,716, plus strand): 5'-ACATGAATAAATGGTCGTTTATTTTTCTAGGTGGCTGGTCGGAAAGGATTTCCTCATGTG[ATC>A]TATGCCCGTCTCTGGAGGTGGCCTGATCTTCACAAAAATGAACTAAAACATGTTAAATAT-3'